The following is an entry in ClinVar:

ClinVar aggregate classification (germline): Uncertain significance. Review status: criteria provided, multiple submitters, no conflicts (2 of 4 stars). 3 submissions from 3 submitters: Uncertain significance (3). Last evaluated 2024-06-30.

Conditions:
Pyogenic arthritis-pyoderma gangrenosum-acne syndrome (PAPA). Also called: FAMILIAL RECURRENT ARTHRITIS; PAPA SYNDROME. Identifiers: Orphanet 69126, MedGen C1858361, MONDO:0011462, OMIM 604416.
Inborn genetic diseases. Identifiers: MedGen C0950123, MeSH D030342.

Allele frequency attached by ClinVar (database versions not stated): gnomAD 0.00001 and 0.00002; TOPMed 0.00002; ExAC 0.00006; ESP Exome Variant Server 0.00008.
gnomAD v4.1: 35 of 1,580,204 alleles (0.0022%); highest among the groups gnomAD compares: African/African-American, 0.0027%; no homozygotes.

Submissions (3):

Labcorp Genetics (formerly Invitae), Labcorp
Classification: Uncertain significance for Pyogenic arthritis-pyoderma gangrenosum-acne syndrome. Last evaluated: 2024-06-30. Review status: criteria provided, single submitter. Criteria: Invitae Variant Classification Sherloc (09022015). Collection method: clinical testing. Allele origin: germline.
Comment: This sequence change replaces arginine, which is basic and polar, with tryptophan, which is neutral and slightly polar, at codon 62 of the PSTPIP1 protein (p.Arg62Trp). The frequency data for this variant in the population databases is considered unreliable, as metrics indicate poor data quality at this position in the gnomAD database. This variant has not been reported in the literature in individuals affected with PSTPIP1-related conditions. ClinVar contains an entry for this variant (Variation ID: 835558). Advanced modeling of protein sequence and biophysical properties (such as structural, functional, and spatial information, amino acid conservation, physicochemical variation, residue mobility, and thermodynamic stability) performed at Invitae indicates that this missense variant is expected to disrupt PSTPIP1 protein function with a positive predictive value of 80%. In summary, the available evidence is currently insufficient to determine the role of this variant in disease. Therefore, it has been classified as a Variant of Uncertain Significance.

Ambry Genetics
Classification: Uncertain significance for Inborn genetic diseases. Last evaluated: 2024-04-22. Review status: criteria provided, single submitter. Criteria: Ambry Variant Classification Scheme 2023. Collection method: clinical testing. Allele origin: germline.

ARUP Laboratories, Molecular Genetics and Genomics, ARUP Laboratories
Classification: Uncertain significance for Pyogenic arthritis-pyoderma gangrenosum-acne syndrome. Last evaluated: 2020-10-15. Review status: criteria provided, single submitter. Criteria: ARUP Molecular Germline Variant Investigation Process 2021. Collection method: clinical testing. Allele origin: germline.
Comment: The PSTPIP1 c.184C>T; p.Arg62Trp variant (rs375063664), to our knowledge, is not reported in the medical literature but is reported in a symptomatic individual in the InFevers database (see link below). The variant listed in the ClinVar database (Variation ID: 835558) and is reported in the general population with an overall allele frequency of 0.003% (6/225,810 alleles) in the Genome Aggregation Database. The arginine at codon 62 is highly conserved, but computational analyses are uncertain whether this variant is neutral or deleterious (REVEL: 0.27). Due to limited information, the clinical significance of the p.Arg62Trp variant is uncertain at this time. References: Link to InFevers database

NM_003978.5(PSTPIP1):c.184C>T (p.Arg62Trp)

Gene: PSTPIP1 (proline-serine-threonine phosphatase interacting protein 1; plus strand). Cytogenetic location: 15q24.3.
Variant type: single nucleotide variant.
Coding change: c.184C>T on transcript NM_003978.5 (MANE Select); coding-DNA position 184, C replaced by T.
Protein change: p.Arg62Trp; replaces arginine 62 with tryptophan.
Molecular consequence: missense variant. On other transcripts: non-coding transcript variant (1).
Genome position (GRCh38, 1-based): chr15:77,018,503, C>T. VCF-style: chr15-77018503-C-T. GRCh37 (hg19) VCF-style: chr15-77310844-C-T.
Other names: c.184C>T, p.Arg62Trp (NM_001321135.2); c.157C>T, p.Arg53Trp (NM_001321136.2); c.379C>T, p.Arg127Trp (NM_001321137.1); short protein forms R127W, R62W, R53W.
Identifiers: ClinVar variation 835558 (VCV000835558.17), dbSNP rs375063664, ClinGen allele CA7675729.
Genomic context (GRCh38, chr15:77,018,503, plus strand): 5'-CCTTTTTTTTGCAGGGCCCAGGCGGAGGAGCGGTACGGGAAGGAGCTGGTGCAGATCGCA[C>T]GGAAGGCAGGTGGCCAGACGGAGATCAAGTAAGATCTCCCGGGCCCTGGGGCTCACTCCT-3'
Protein context (NP_003969.2, residues 52-72): RYGKELVQIA[Arg62Trp]KAGGQTEINS